The following is an entry in ClinVar:

ClinVar aggregate classification (germline): Uncertain significance (1 of 4 stars; one submission).

Allele frequency attached by ClinVar (database versions not stated): gnomAD exomes below 0.00001.
gnomAD v4.1: 2 of 1,614,168 alleles (0.00012%); highest among the groups gnomAD compares: Non-Finnish European, 0.00017%; no homozygotes.

Submission:

Labcorp Genetics (formerly Invitae), Labcorp
Classification: Uncertain significance. Last evaluated: 2024-09-29. Review status: criteria provided, single submitter. Criteria: Invitae Variant Classification Sherloc (09022015). Collection method: clinical testing. Allele origin: germline.
Comment: This sequence change replaces cysteine, which is neutral and slightly polar, with tyrosine, which is neutral and polar, at codon 1549 of the COL4A2 protein (p.Cys1549Tyr). This variant is not present in population databases (gnomAD no frequency). This variant has not been reported in the literature in individuals affected with COL4A2-related conditions. Invitae Evidence Modeling of protein sequence and biophysical properties (such as structural, functional, and spatial information, amino acid conservation, physicochemical variation, residue mobility, and thermodynamic stability) has been performed for this missense variant. However, the output from this modeling did not meet the statistical confidence thresholds required to predict the impact of this variant on COL4A2 protein function. In summary, the available evidence is currently insufficient to determine the role of this variant in disease. Therefore, it has been classified as a Variant of Uncertain Significance.

NM_001846.4(COL4A2):c.4646G>A (p.Cys1549Tyr)

Genes: COL4A2 (collagen type IV alpha 2 chain; plus strand), COL4A2-AS1 (COL4A2 antisense RNA 1; minus strand). Cytogenetic location: 13q34.
Variant type: single nucleotide variant.
Coding change: c.4646G>A on transcript NM_001846.4 (MANE Select); coding-DNA position 4646, G replaced by A.
Protein change: p.Cys1549Tyr; replaces cysteine 1549 with tyrosine.
Molecular consequence: missense variant.
Genome position (GRCh38, 1-based): chr13:110,507,986, G>A. VCF-style: chr13-110507986-G-A. GRCh37 (hg19) VCF-style: chr13-111160333-G-A.
Other names: short protein forms C1549Y.
Identifiers: ClinVar variation 3014901 (VCV003014901.3), dbSNP rs2502217225, ClinGen allele CA388741280.